The following is an entry in ClinVar:

NM_002838.5(PTPRC):c.2252T>C (p.Val751Ala)

Gene: PTPRC (protein tyrosine phosphatase receptor type C; plus strand). Cytogenetic location: 1q32.1.
Variant type: single nucleotide variant.
Coding change: c.2252T>C on transcript NM_002838.5 (MANE Select); coding-DNA position 2252, T replaced by C.
Protein change: p.Val751Ala; replaces valine 751 with alanine.
Molecular consequence: missense variant.
Genome position (GRCh38, 1-based): chr1:198,734,400, T>C. VCF-style: chr1-198734400-T-C. GRCh37 (hg19) VCF-style: chr1-198703529-T-C.
Other names: c.1769T>C, p.Val590Ala (NM_080921.4); short protein forms V590A, V751A.
Identifiers: ClinVar variation 1416699 (VCV001416699.3), dbSNP rs1464440498, ClinGen allele CA344048071.

ClinVar aggregate classification (germline): Uncertain significance (1 of 4 stars; one submission).

Conditions:
Immunodeficiency 104. Also called: SCID, AUTOSOMAL RECESSIVE, T CELL-NEGATIVE, B CELL-POSITIVE, NK CELL-POSITIVE; Severe Combined Immune Deficiency, Autosomal Recessive, TCell -Negative, B Cell-Positive, NK Cell-Positive, IL7R-Related; IMMUNODEFICIENCY 104, SEVERE COMBINED; Severe combined immunodeficiency, autosomal recessive, T cell-negative, B cell-positive, NK cell-positive. Identifiers: MedGen C5676890, MONDO:0012163, OMIM 608971.

Allele frequency attached by ClinVar (database versions not stated): gnomAD exomes below 0.00001; gnomAD 0.00001; TOPMed 0.00003.
gnomAD v4.1: 4 of 1,610,966 alleles (0.00025%); highest among the groups gnomAD compares: Admixed American, 0.005%; no homozygotes.

Submission:

Labcorp Genetics (formerly Invitae), Labcorp
Classification: Uncertain significance for Immunodeficiency 104. Last evaluated: 2022-08-19. Review status: criteria provided, single submitter. Criteria: Invitae Variant Classification Sherloc (09022015). Collection method: clinical testing. Allele origin: germline.
Comment: This sequence change replaces valine, which is neutral and non-polar, with alanine, which is neutral and non-polar, at codon 751 of the PTPRC protein (p.Val751Ala). This variant is not present in population databases (gnomAD no frequency). This variant has not been reported in the literature in individuals affected with PTPRC-related conditions. ClinVar contains an entry for this variant (Variation ID: 1416699). Algorithms developed to predict the effect of missense changes on protein structure and function (SIFT, PolyPhen-2, Align-GVGD) all suggest that this variant is likely to be disruptive. In summary, the available evidence is currently insufficient to determine the role of this variant in disease. Therefore, it has been classified as a Variant of Uncertain Significance.